The following is an entry in ClinVar:

ClinVar aggregate classification (germline): Uncertain significance (1 of 4 stars; one submission).

Submission:

Women's Health and Genetics/Laboratory Corporation of America, LabCorp
Classification: Uncertain significance. Last evaluated: 2025-03-10. Review status: criteria provided, single submitter. Criteria: LabCorp Variant Classification Summary - May 2015. Collection method: clinical testing. Allele origin: germline.
Comment: Variant summary: AMH c.1447T>C (p.Tyr483His) results in a conservative amino acid change located in the TGF-beta family domain (IPR001839) of the encoded protein sequence. Three of five in-silico tools predict a damaging effect of the variant on protein function. The variant allele was found at a frequency of 8.3e-06 in 241188 control chromosomes. The available data on variant occurrences in the general population are insufficient to allow any conclusion about variant significance. c.1447T>C has been reported in the literature in one individual affected with Persistent Mullerian duct syndrome (Tian_2022). These data do not allow any conclusion about variant significance. To our knowledge, no experimental evidence demonstrating an impact on protein function has been reported. The following publication has been ascertained in the context of this evaluation (PMID: 34810374). No submitters have cited clinical-significance assessments for this variant to ClinVar. Based on the evidence outlined above, the variant was classified as uncertain significance.

Literature cited by the submitters: PubMed 34810374.

NM_000479.5(AMH):c.1447T>C (p.Tyr483His)

Gene: AMH (anti-Mullerian hormone; plus strand). Cytogenetic location: 19p13.3.
Variant type: single nucleotide variant.
Coding change: c.1447T>C on transcript NM_000479.5 (MANE Select); coding-DNA position 1447, T replaced by C.
Protein change: p.Tyr483His; replaces tyrosine 483 with histidine.
Molecular consequence: missense variant.
Genome position (GRCh38, 1-based): chr19:2,251,721, T>C. VCF-style: chr19-2251721-T-C. GRCh37 (hg19) VCF-style: chr19-2251720-T-C.
Other names: short protein forms Y483H.
Identifiers: ClinVar variation 3895756 (VCV003895756.1).